The following is an entry in ClinVar:

NM_177550.5(SLC13A5):c.831G>A (p.Met277Ile)

Gene: SLC13A5 (solute carrier family 13 member 5; minus strand). Cytogenetic location: 17p13.1.
Variant type: single nucleotide variant.
Coding change: c.831G>A on transcript NM_177550.5 (MANE Select); coding-DNA position 831, G replaced by A.
Protein change: p.Met277Ile; replaces methionine 277 with isoleucine.
Molecular consequence: missense variant.
Genome position (GRCh38, 1-based): chr17:6,701,012, C>T on the plus strand (G>A on the coding strand, the complement: SLC13A5 is on the minus strand). VCF-style: chr17-6701012-C-T. GRCh37 (hg19) VCF-style: chr17-6604331-C-T.
Other names: c.831G>A, p.Met277Ile (NM_001143838.3); c.780G>A, p.Met260Ile (NM_001284509.2); c.702G>A, p.Met234Ile (NM_001284510.2); short protein forms M260I, M234I, M277I.
Identifiers: ClinVar variation 852655 (VCV000852655.10), dbSNP rs1973697429, ClinGen allele CA397746790.
Genomic context (GRCh38, chr17:6,701,012, plus strand): 5'-CAGCTTTGAGGCATAATTAGGCATAATTAGGCTGTGAGCAGCTCAAACTTACTTGAATCT[C>T]ATGTAAACAAACTGGAGCCACAGCCAGGCGAACAGCAGCATCACCAGCATGTTGGGAAAG-3'
Protein context (NP_808218.1, residues 267-287): FAWLWLQFVY[Met277Ile]RFNFKKSWGC

ClinVar aggregate classification (germline): Uncertain significance (1 of 4 stars; one submission).

Conditions:
Developmental and epileptic encephalopathy, 25 (DEE25). Also called: Epileptic encephalopathy, early infantile, 25; Developmental and epileptic encephalopathy 25, with amelogenesis imperfecta; Epileptic encephalopathy, early infantile, 25, with amelogenesis imperfecta. Identifiers: Orphanet 442835, MedGen C4014621, MONDO:0014392, OMIM 615905.

Allele frequency attached by ClinVar (database versions not stated): TOPMed below 0.00001; gnomAD exomes 0.00001.
gnomAD v4.1: 11 of 1,614,168 alleles (0.00068%); highest among the groups gnomAD compares: Non-Finnish European, 0.00093%; no homozygotes.

Submission:

Labcorp Genetics (formerly Invitae), Labcorp
Classification: Uncertain significance for Developmental and epileptic encephalopathy, 25. Last evaluated: 2022-10-17. Review status: criteria provided, single submitter. Criteria: Invitae Variant Classification Sherloc (09022015). Collection method: clinical testing. Allele origin: germline.
Comment: Algorithms developed to predict the effect of missense changes on protein structure and function (SIFT, PolyPhen-2, Align-GVGD) all suggest that this variant is likely to be tolerated. ClinVar contains an entry for this variant (Variation ID: 852655). This variant has not been reported in the literature in individuals affected with SLC13A5-related conditions. This variant is not present in population databases (gnomAD no frequency). This sequence change replaces methionine, which is neutral and non-polar, with isoleucine, which is neutral and non-polar, at codon 277 of the SLC13A5 protein (p.Met277Ile). In summary, the available evidence is currently insufficient to determine the role of this variant in disease. Therefore, it has been classified as a Variant of Uncertain Significance.